The following is an entry in ClinVar:

NM_002691.4(POLD1):c.2692C>G (p.Gln898Glu)

Gene: POLD1 (DNA polymerase delta 1, catalytic subunit; plus strand). Cytogenetic location: 19q13.33.
Variant type: single nucleotide variant.
Coding change: c.2692C>G on transcript NM_002691.4 (MANE Select); coding-DNA position 2692, C replaced by G.
Protein change: p.Gln898Glu; replaces glutamine 898 with glutamic acid.
Molecular consequence: missense variant. On other transcripts: non-coding transcript variant (1).
Genome position (GRCh38, 1-based): chr19:50,415,565, C>G. VCF-style: chr19-50415565-C-G. GRCh37 (hg19) VCF-style: chr19-50918822-C-G.
Other names: c.2692C>G, p.Gln898Glu (NM_001256849.1); c.2770C>G, p.Gln924Glu (NM_001308632.1); short protein forms Q898E, Q924E.
Identifiers: ClinVar variation 2094365 (VCV002094365.4), dbSNP rs1297113731, ClinGen allele CA406985655.

ClinVar aggregate classification (germline): Uncertain significance (1 of 4 stars; one submission).

Conditions:
POLD1-related polyposis and colorectal cancer syndrome (CRCS10). Also called: Colorectal cancer 10; COLORECTAL CANCER, SUSCEPTIBILITY TO, ON CHROMOSOME 19q; Colorectal cancer, susceptibility to, 10. Identifiers: Orphanet 220460, MedGen C2675481, MONDO:0012953, OMIM 612591.

Submission:

Labcorp Genetics (formerly Invitae), Labcorp
Classification: Uncertain significance for POLD1-related polyposis and colorectal cancer syndrome. Last evaluated: 2022-02-07. Review status: criteria provided, single submitter. Criteria: Invitae Variant Classification Sherloc (09022015). Collection method: clinical testing. Allele origin: germline.
Comment: In summary, the available evidence is currently insufficient to determine the role of this variant in disease. Therefore, it has been classified as a Variant of Uncertain Significance. Algorithms developed to predict the effect of missense changes on protein structure and function are either unavailable or do not agree on the potential impact of this missense change (SIFT: "Deleterious"; PolyPhen-2: "Probably Damaging"; Align-GVGD: "Class C0"). This variant has not been reported in the literature in individuals affected with POLD1-related conditions. This variant is not present in population databases (gnomAD no frequency). This sequence change replaces glutamine, which is neutral and polar, with glutamic acid, which is acidic and polar, at codon 898 of the POLD1 protein (p.Gln898Glu).